The following is an entry in ClinVar:

NM_001165963.4(SCN1A):c.2125C>G (p.Gln709Glu)

Gene: SCN1A (sodium voltage-gated channel alpha subunit 1; minus strand). Cytogenetic location: 2q24.3.
Variant type: single nucleotide variant.
Coding change: c.2125C>G on transcript NM_001165963.4 (MANE Select); coding-DNA position 2125, C replaced by G.
Protein change: p.Gln709Glu; replaces glutamine 709 with glutamic acid.
Molecular consequence: missense variant. On other transcripts: 5 prime UTR variant (1), non-coding transcript variant (1).
Genome position (GRCh38, 1-based): chr2:166,042,343, G>C on the plus strand (C>G on the coding strand, the complement: SCN1A is on the minus strand). VCF-style: chr2-166042343-G-C. GRCh37 (hg19) VCF-style: chr2-166898853-G-C.
Other names: c.2041C>G, p.Gln681Glu (NM_001165964.3, NM_001353957.2, NM_001353958.2); c.2125C>G, p.Gln709Glu (NM_001202435.3, NM_001353948.2); c.2092C>G, p.Gln698Glu (NM_001353949.2, NM_001353950.2, NM_001353951.2 and 2 more transcripts); c.2089C>G, p.Gln697Glu (NM_001353954.2, NM_001353955.2); c.2038C>G, p.Gln680Glu (NM_001353960.2); c.-334C>G (NM_001353961.2); short protein forms Q698E, Q709E, Q681E, Q680E, Q697E.
Identifiers: ClinVar variation 372645 (VCV000372645.8), dbSNP rs370037455, ClinGen allele CA1943188.
Genomic context (GRCh38, chr2:166,042,343, plus strand): 5'-GTTACCAACCTTCTACTGTATTTGTTAGAATGCTGGCTATACTCATTGCTCGTTGCCTTT[G>C]GGAAGGATCTTCTAGAAAGTCCATGGAAACGTGGAAAGAACTTGACCTTCTCTTTCTCAT-3'
Protein context (NP_001159435.1, residues 699-719): VSMDFLEDPS[Gln709Glu]RQRAMSIASI

ClinVar aggregate classification (germline): Conflicting classifications of pathogenicity. Review status: criteria provided, conflicting classifications (1 of 4 stars). 3 submissions from 3 submitters: Uncertain significance (2); Likely benign (1). Last evaluated 2025-07-02.

Conditions:
Inborn genetic diseases. Identifiers: MedGen C0950123, MeSH D030342.
Early-infantile DEE. Also called: Early infantile epileptic encephalopathy; Ohtahara syndrome; Early infantile epileptic encephalopathy with suppression bursts. Identifiers: Orphanet 1934, MedGen C0393706, MONDO:0800491.

Allele frequency attached by ClinVar (database versions not stated): ExAC 0.00001; gnomAD exomes 0.00001; gnomAD 0.00005; TOPMed 0.00005; ESP Exome Variant Server 0.00008.
gnomAD v4.1: 16 of 1,613,704 alleles (0.00099%); highest among the groups gnomAD compares: African/African-American, 0.021%; no homozygotes.

Submissions (3):

Labcorp Genetics (formerly Invitae), Labcorp
Classification: Likely benign for Early-infantile DEE. Last evaluated: 2025-07-02. Review status: criteria provided, single submitter. Criteria: Invitae Variant Classification Sherloc (09022015). Collection method: clinical testing. Allele origin: germline.

Ambry Genetics
Classification: Uncertain significance for Inborn genetic diseases. Last evaluated: 2024-06-13. Review status: criteria provided, single submitter. Criteria: Ambry Variant Classification Scheme 2023. Collection method: clinical testing. Allele origin: germline.

GeneDx
Classification: Uncertain significance. Last evaluated: 2016-11-17. Review status: criteria provided, single submitter. Criteria: GeneDx Variant Classification (06012015). Collection method: clinical testing. Allele origin: germline. Affected: yes.
Comment: A variant of uncertain significance has been identified in the SCN1A gene. The Q709E variant has not been published as a pathogenic variant, nor has it been reported as a benign variant to our knowledge. It was not observed with any significant frequency in approximately 6,500 individuals of European and African American ancestry in the NHLBI Exome Sequencing Project. The Q709E variant is a semi-conservative amino acid substitution, which may impact secondary protein structure as these residues differ in some properties.This substitution occurs at a position that is conserved in mammals and is predicted to be within the cytoplasmic loop between the first and second homologous domains. However, in silico analysis predicts this variant likely does not alter the protein structure/function. Therefore, based on the currently available information, it is unclear whether this variant is a pathogenic variant or a rare benign variant.